The following is an entry in ClinVar:

NM_001130009.3(GEN1):c.958G>A (p.Ala320Thr)

Gene: GEN1 (GEN1 Holliday junction 5' flap endonuclease; plus strand). Cytogenetic location: 2p24.2.
Variant type: single nucleotide variant.
Coding change: c.958G>A on transcript NM_001130009.3 (MANE Select); coding-DNA position 958, G replaced by A.
Protein change: p.Ala320Thr; replaces alanine 320 with threonine.
Molecular consequence: missense variant.
Genome position (GRCh38, 1-based): chr2:17,773,100, G>A. VCF-style: chr2-17773100-G-A. GRCh37 (hg19) VCF-style: chr2-17954367-G-A.
Other names: c.958G>A, p.Ala320Thr (NM_182625.5); short protein forms A320T.
Identifiers: ClinVar variation 3853491 (VCV003853491.1).

ClinVar aggregate classification (germline): Uncertain significance (1 of 4 stars; one submission).

Submission:

Ambry Genetics
Classification: Uncertain significance. Last evaluated: 2025-01-07. Review status: criteria provided, single submitter. Criteria: Ambry Variant Classification Scheme 2023. Collection method: clinical testing. Allele origin: germline.
Comment: The p.A320T variant (also known as c.958G>A), located in coding exon 8 of the GEN1 gene, results from a G to A substitution at nucleotide position 958. The alanine at codon 320 is replaced by threonine, an amino acid with similar properties. This amino acid position is conserved. In addition, this alteration is predicted to be tolerated by in silico analysis. Based on the available evidence, the clinical significance of this variant remains unclear.